The following is an entry in ClinVar:

NM_006019.4(TCIRG1):c.942_943insGTG (p.Thr314_His315insVal)

Gene: TCIRG1 (T cell immune regulator 1, ATPase H+ transporting V0 subunit a3; plus strand). Cytogenetic location: 11q13.2.
Variant type: Insertion.
Coding change: c.942_943insGTG on transcript NM_006019.4 (MANE Select); coding-DNA positions 942 to 943, GTG inserted.
Protein change: p.Thr314_His315insVal.
Molecular consequence: inframe insertion.
Genome position: GRCh38 VCF-style: chr11-68044265-C-CGGT. GRCh37 (hg19) VCF-style: chr11-67811732-C-CGGT.
Other names: c.48_49insGTG, p.Thr16_His17insVal (NM_001351059.2); c.294_295insGTG, p.Thr98_His99insVal (NM_006053.4).
Identifiers: ClinVar variation 554112 (VCV000554112.4), dbSNP rs779622577, ClinGen allele CA6146849.

ClinVar aggregate classification (germline): Uncertain significance. Review status: criteria provided, single submitter (1 of 4 stars). 2 submissions from 2 submitters: Uncertain significance (1). 1 of the submissions does not count toward it. Last evaluated 2024-06-12.

Conditions:
Autosomal recessive osteopetrosis 1. Also called: TCIRG1-Related Autosomal Recessive Osteopetrosis; TCIRG1-Related Osteopetrosis; ALBERS-SCHONBERG DISEASE, AUTOSOMAL RECESSIVE. Identifiers: Orphanet 667, MedGen C1850127, MONDO:0009815, OMIM 259700.

Submissions (2):

Labcorp Genetics (formerly Invitae), Labcorp
Classification: Uncertain significance. Last evaluated: 2024-06-12. Review status: criteria provided, single submitter. Criteria: Invitae Variant Classification Sherloc (09022015). Collection method: clinical testing. Allele origin: germline.
Comment: This variant, c.942_943insGTG, results in the insertion of 1 amino acid(s) of the TCIRG1 protein (p.Thr314_His315insVal), but otherwise preserves the integrity of the reading frame. This variant is present in population databases (rs779622577, gnomAD 0.001%). This variant has not been reported in the literature in individuals affected with TCIRG1-related conditions. ClinVar contains an entry for this variant (Variation ID: 554112). In summary, the available evidence is currently insufficient to determine the role of this variant in disease. Therefore, it has been classified as a Variant of Uncertain Significance.

Counsyl
Classification: Uncertain significance for Autosomal recessive osteopetrosis 1. Last evaluated: 2017-09-26. Review status: no assertion criteria provided. Collection method: clinical testing. Allele origin: unknown. Not counted in ClinVar's aggregate classification.